The following is an entry in ClinVar:

NM_001009944.3(PKD1):c.8663G>A (p.Arg2888His)

Gene: PKD1 (polycystin 1, transient receptor potential channel interacting; minus strand). Cytogenetic location: 16p13.3.
Variant type: single nucleotide variant.
Coding change: c.8663G>A on transcript NM_001009944.3 (MANE Select); coding-DNA position 8663, G replaced by A.
Protein change: p.Arg2888His; replaces arginine 2888 with histidine.
Molecular consequence: missense variant.
Genome position (GRCh38, 1-based): chr16:2,103,394, C>T on the plus strand (G>A on the coding strand, the complement: PKD1 is on the minus strand). VCF-style: chr16-2103394-C-T. GRCh37 (hg19) VCF-style: chr16-2153395-C-T.
Other names: c.8663G>A, p.Arg2888His (NM_000296.4); short protein forms R2888H.
Identifiers: ClinVar variation 423287 (VCV000423287.21), dbSNP rs200168879, ClinGen allele CA7830434.

ClinVar aggregate classification (germline): Conflicting classifications of pathogenicity. Review status: criteria provided, conflicting classifications (1 of 4 stars). 6 submissions from 6 submitters: Uncertain significance (4); Likely benign (2). Last evaluated 2025-09-01.

Conditions:
PKD1-related disorder. Also called: PKD1-related condition.
Inborn genetic diseases. Identifiers: MedGen C0950123, MeSH D030342.
Polycystic kidney disease, adult type (PKD1). Also called: POLYCYSTIC KIDNEY DISEASE, ADULT, TYPE I; Polycystic Kidney Disease 1, Autosomal Dominant; Polycystic kidney disease 1; Polycystic kidney disease 1, severe; Polycystic Kidney, Autosomal Dominant; POLYCYSTIC KIDNEY DISEASE 1 WITH OR WITHOUT POLYCYSTIC LIVER DISEASE. Identifiers: MedGen C3149841, MONDO:0008263, OMIM 173900.

Allele frequency attached by ClinVar (database versions not stated): gnomAD 0.00029 and 0.00027; TOPMed 0.00031; ESP Exome Variant Server 0.00008; ExAC 0.00012; gnomAD exomes 0.00019 and 0.00023.
gnomAD v4.1: 376 of 1,599,800 alleles (0.024%); highest among the groups gnomAD compares: Admixed American, 0.032%; 1 homozygote.

Submissions (6):

PreventionGenetics, part of Exact Sciences
Classification: Uncertain significance for PKD1-related condition. Last evaluated: 2025-09-01. Review status: criteria provided, single submitter. Criteria: ACMG Guidelines, 2015. Collection method: clinical testing. Allele origin: germline.
Comment: The PKD1 c.8663G>A variant is predicted to result in the amino acid substitution p.Arg2888His. This variant was reported as a variant of uncertain significance (VUS) in an individual with autosomal dominant polycystic kidney disease (ADPKD) (Supplementary Table 2, Yu et al. 2022. PubMed ID: 35778421). This variant is reported in 0.057% of alleles in individuals of East Asian descent in gnomAD. Although we suspect that this variant may be benign due to the relatively high allele frequency, at this time, the clinical significance of this variant is uncertain due to the absence of conclusive functional and genetic evidence.

CeGaT Center for Human Genetics Tuebingen
Classification: Likely benign. Last evaluated: 2025-04-01. Review status: criteria provided, single submitter. Criteria: CeGaT Center For Human Genetics Tuebingen Variant Classification Criteria Version 2. Collection method: clinical testing. Allele origin: germline. Affected: yes. Observed: 1 variant allele.
Comment: PKD1: BP4

Ambry Genetics
Classification: Likely benign for Inborn genetic diseases. Last evaluated: 2022-02-17. Review status: criteria provided, single submitter. Criteria: Ambry Variant Classification Scheme 2023. Collection method: clinical testing. Allele origin: germline.

ARUP Laboratories, Molecular Genetics and Genomics, ARUP Laboratories
Classification: Uncertain significance for Polycystic kidney disease, adult type. Last evaluated: 2019-04-03. Review status: criteria provided, single submitter. Criteria: ARUP Molecular Germline Variant Investigation Process. Collection method: clinical testing. Allele origin: germline.
Comment: The PKD1 c.8663G>A; p.Arg2888His variant, to our knowledge, is not reported in the medical literature but is reported in ClinVar (Variation ID: 423287). This variant is found in the general population with an overall allele frequency of 0.02% (51/265390 alleles) in the Genome Aggregation Database. The arginine at codon 2888 is weakly conserved, it occurs as a histidine in several vertebrate species, and computational analyses (SIFT, PolyPhen-2) predict that this variant is tolerated. However, due to limited information, the clinical significance of the p.Arg2888His variant is uncertain at this time.

Athena Diagnostics
Classification: Uncertain significance. Last evaluated: 2018-05-11. Review status: criteria provided, single submitter. Criteria: Athena Diagnostics Criteria. Collection method: clinical testing. Allele origin: germline.

GeneDx
Classification: Uncertain significance. Last evaluated: 2017-02-13. Review status: criteria provided, single submitter. Criteria: GeneDx Variant Classification (06012015). Collection method: clinical testing. Allele origin: germline. Affected: yes.
Comment: The R2888H variant in the PKD1 gene has not been reported previously as a pathogenic variant, nor as a benign variant, to our knowledge. The R2888H variant is not observed at a significant frequency in large population cohorts (Lek et al., 2016; 1000 Genomes Consortium et al., 2015; Exome Variant Server). The R2888H variant is a conservative amino acid substitution, which is not likely to impact secondary protein structure as these residues share similar properties. In addition, this substitution occurs at a position that is not conserved across species, and in silico analysis predicts this variant likely does not alter the protein structure/function. We interpret R2888H as a variant of uncertain significance.